The following is an entry in ClinVar:

ClinVar aggregate classification (germline): Uncertain significance. Review status: criteria provided, multiple submitters, no conflicts (2 of 4 stars). 2 submissions from 2 submitters: Uncertain significance (2). Last evaluated 2024-02-26.

Conditions:
Fetal akinesia deformation sequence 1 (FADS1). Also called: Pena-Shokeir syndrome type I; Fetal akinesia sequence. Identifiers: Orphanet 994, MedGen C1276035, MONDO:0100101, OMIM 208150, HP:0001989.
Congenital myasthenic syndrome 10. Also called: Myasthenia, limb-girdle, familial. Identifiers: Orphanet 590, MedGen C1850792, MONDO:0009690, OMIM 254300.
Inborn genetic diseases. Identifiers: MedGen C0950123, MeSH D030342.

gnomAD v4.1: 5 of 1,610,534 alleles (0.00031%); highest among the groups gnomAD compares: Admixed American, 0.005%; no homozygotes.

Submissions (2):

Ambry Genetics
Classification: Uncertain significance for Inborn genetic diseases. Last evaluated: 2024-02-26. Review status: criteria provided, single submitter. Criteria: Ambry Variant Classification Scheme 2023. Collection method: clinical testing. Allele origin: germline.

Labcorp Genetics (formerly Invitae), Labcorp
Classification: Uncertain significance for Congenital myasthenic syndrome 10; Fetal akinesia deformation sequence 1. Last evaluated: 2021-10-29. Review status: criteria provided, single submitter. Criteria: Invitae Variant Classification Sherloc (09022015). Collection method: clinical testing. Allele origin: germline.
Comment: This sequence change replaces cysteine, which is neutral and slightly polar, with tryptophan, which is neutral and slightly polar, at codon 492 of the DOK7 protein (p.Cys492Trp). This variant is not present in population databases (gnomAD no frequency). This variant has not been reported in the literature in individuals affected with DOK7-related conditions. ClinVar contains an entry for this variant (Variation ID: 1006042). Algorithms developed to predict the effect of missense changes on protein structure and function are either unavailable or do not agree on the potential impact of this missense change (SIFT: "Deleterious"; PolyPhen-2: "Probably Damaging"; Align-GVGD: "Class C0"). In summary, the available evidence is currently insufficient to determine the role of this variant in disease. Therefore, it has been classified as a Variant of Uncertain Significance.

NM_173660.5(DOK7):c.1476T>G (p.Cys492Trp)

Gene: DOK7 (docking protein 7; plus strand). Cytogenetic location: 4p16.3.
Variant type: single nucleotide variant.
Coding change: c.1476T>G on transcript NM_173660.5 (MANE Select); coding-DNA position 1476, T replaced by G.
Protein change: p.Cys492Trp; replaces cysteine 492 with tryptophan.
Molecular consequence: missense variant. On other transcripts: 3 prime UTR variant (1).
Genome position (GRCh38, 1-based): chr4:3,493,462, T>G. VCF-style: chr4-3493462-T-G. GRCh37 (hg19) VCF-style: chr4-3495189-T-G.
Other names: c.*697T>G (NM_001164673.2); c.546T>G, p.Cys182Trp (NM_001256896.2); c.1476T>G, p.Cys492Trp (NM_001301071.2); c.1044T>G, p.Cys348Trp (NM_001363811.2); c.1476T>G (NM_173660.4); short protein forms C182W, C348W, C492W.
Identifiers: ClinVar variation 1006042 (VCV001006042.5), dbSNP rs768805841, ClinGen allele CA2829539.
Genomic context (GRCh38, chr4:3,493,462, plus strand): 5'-CGAGCCCTGGGAAGCAGGCGGCCCCCACGCGGGGCCACCCCCGGCTTTCTTTTCGGCATG[T>G]CCAGTCTGTGGAGGACTCAAGGTAAACCCCCCTCCTTGAGAGCCGCAGATCCCGCCCCGC-3'
Protein context (NP_775931.3, residues 482-502): AGPPPAFFSA[Cys492Trp]PVCGGLKVNP